The following is an entry in ClinVar:

NM_000231.3(SGCG):c.414dup (p.Gln139fs)

Gene: SGCG (sarcoglycan gamma; plus strand). Cytogenetic location: 13q12.12.
Variant type: Duplication.
Coding change: c.414dup on transcript NM_000231.3 (MANE Select); coding-DNA position 414, one base duplicated (A; older notation c.414dupA).
Protein change: p.Gln139fs; shifts the reading frame from glutamine 139.
Molecular consequence: frameshift variant.
Genome position (GRCh38, 1-based): chr13:23,279,387, A duplicated; the last of 2 consecutive A bases (chr13:23,279,386-23,279,387); duplicating either gives the same sequence. VCF-style (leftmost placement, unchanged base first): chr13-23279385-C-CA. GRCh37 (hg19) VCF-style: chr13-23853524-C-CA.
Other names: c.468dup, p.Gln157fs (NM_001378244.1); c.414dup, p.Gln139fs (NM_001378245.1, NM_001378246.1); short protein forms Q139fs, Q157fs.
Identifiers: ClinVar variation 5012789 (VCV005012789.1).

ClinVar aggregate classification (germline): Pathogenic (1 of 4 stars; one submission).

Conditions:
Autosomal recessive limb-girdle muscular dystrophy type 2C (LGMDR5). Also called: MUSCULAR DYSTROPHY, DUCHENNE-LIKE; MUSCULAR DYSTROPHY, LIMB-GIRDLE, AUTOSOMAL RECESSIVE 5. Identifiers: Orphanet 353, MedGen C0410173, MONDO:0009677, OMIM 253700. Disease mechanism: Affects gamma-sarcoglycan and also disrupts the integrity of the entire sarcoglycan complex..

Submission:

Myriad Genetics, Inc.
Classification: Pathogenic for Autosomal recessive limb-girdle muscular dystrophy type 2C. Last evaluated: 2024-03-01. Review status: criteria provided, single submitter. Criteria: Myriad Autosomal Dominant, Autosomal Recessive and X-Linked Classification Criteria (2023). Collection method: clinical testing. Allele origin: unknown.
Comment: NM_000231.2(SGCG):c.414dupA(Q139Tfs*17) is expected to be pathogenic in the context of gamma-sarcoglycanopathy. This variant is predicted to lead to an abnormal or absent protein product due to the creation of a premature termination codon in SGCG, a gene where loss-of-function variants are known to be pathogenic. Please note: this variant was assessed in the context of healthy population screening.